The following is an entry in ClinVar:

ClinVar aggregate classification (germline): Uncertain significance (1 of 4 stars; one submission).

Submission:

CeGaT Center for Human Genetics Tuebingen
Classification: Uncertain significance. Last evaluated: 2024-10-01. Review status: criteria provided, single submitter. Criteria: CeGaT Center For Human Genetics Tuebingen Variant Classification Criteria Version 2. Collection method: clinical testing. Allele origin: germline. Affected: yes. Observed: 1 variant allele.
Comment: RNASEH2B: PM2

NM_024570.4(RNASEH2B):c.431_436+1del

Gene: RNASEH2B (ribonuclease H2 subunit B; plus strand). Cytogenetic location: 13q14.3.
Variant type: Deletion.
Coding change: c.431_436+1del on transcript NM_024570.4 (MANE Select); coding-DNA position 431 through the canonical splice donor site of the intron after coding-DNA position 436, 7 bases deleted (AAAAAGG; older notation c.431_436+1delAAAAAGG).
Molecular consequence: splice donor variant.
Genome position (GRCh38, 1-based): chr13:50,934,994-50,935,000, AAAAAGG deleted; deleting any 7 consecutive bases within chr13:50,934,991-50,935,000 gives the same sequence; the c. name uses the placement nearest the transcript's 3' end. VCF-style (leftmost placement, unchanged base first): chr13-50934990-GAGGAAAA-G. GRCh37 (hg19) VCF-style: chr13-51509126-GAGGAAAA-G.
Other names: c.431_436+1del (NM_001142279.2, NM_001411023.1).
Identifiers: ClinVar variation 3389102 (VCV003389102.14).